The following is an entry in ClinVar:

NM_001042492.3(NF1):c.3394C>T (p.Arg1132Cys)

Gene: NF1 (neurofibromin 1; plus strand). Cytogenetic location: 17q11.2.
Variant type: single nucleotide variant.
Coding change: c.3394C>T on transcript NM_001042492.3 (MANE Select); coding-DNA position 3394, C replaced by T.
Protein change: p.Arg1132Cys; replaces arginine 1132 with cysteine.
Molecular consequence: missense variant.
Genome position (GRCh38, 1-based): chr17:31,232,779, C>T. VCF-style: chr17-31232779-C-T. GRCh37 (hg19) VCF-style: chr17-29559797-C-T.
Other names: c.3394C>T, p.Arg1132Cys (NM_000267.4); short protein forms R1132C.
Identifiers: ClinVar variation 141407 (VCV000141407.19), dbSNP rs587781725, ClinGen allele CA165340.

ClinVar aggregate classification (germline): Conflicting classifications of pathogenicity. Review status: criteria provided, conflicting classifications (1 of 4 stars). 7 submissions from 6 submitters: Uncertain significance (5); Likely benign (2). Last evaluated 2026-02-02.

Conditions:
Astrocytoma IDH-mutant. Identifiers: MedGen C5669733.
Hereditary cancer-predisposing syndrome. Also called: Neoplastic Syndromes, Hereditary; Hereditary Cancer Syndrome; Hereditary neoplastic syndrome; Tumor predisposition. Identifiers: Orphanet 140162, MedGen C0027672, MeSH D009386, MONDO:0015356.
Cardiovascular phenotype. Identifiers: MedGen CN230736.
Neurofibromatosis, type 1 (NF1). Also called: VON RECKLINGHAUSEN DISEASE; Neurofibromatosis, type I; NEUROFIBROMATOSIS, TYPE I, SOMATIC; Peripheral type neurofibromatosis. Identifiers: Orphanet 636, MedGen C0027831, MONDO:0018975, OMIM 162200. Disease mechanism: loss of function.

Allele frequency attached by ClinVar (database versions not stated): ExAC 0.00001; gnomAD 0.00001.
gnomAD v4.1: 15 of 1,613,634 alleles (0.00093%); highest among the groups gnomAD compares: Non-Finnish European, 0.001%; no homozygotes.

Submissions (7):

Labcorp Genetics (formerly Invitae), Labcorp
Classification: Likely benign for Neurofibromatosis, type 1. Last evaluated: 2026-02-02. Review status: criteria provided, single submitter. Criteria: Invitae Variant Classification Sherloc (09022015). Collection method: clinical testing. Allele origin: germline.

Ambry Genetics
Classification: Likely benign for Cardiovascular phenotype; Hereditary cancer-predisposing syndrome. Last evaluated: 2025-03-26. Review status: criteria provided, single submitter. Criteria: Ambry Variant Classification Scheme 2023. Collection method: clinical testing. Allele origin: germline.

GeneDx
Classification: Uncertain significance. Last evaluated: 2023-08-01. Review status: criteria provided, single submitter. Criteria: GeneDx Variant Classification Process June 2021. Collection method: clinical testing. Allele origin: germline. Affected: yes.
Comment: In silico analysis supports that this missense variant has a deleterious effect on protein structure/function; Has not been previously published as pathogenic or benign to our knowledge; This variant is associated with the following publications: (PMID: 25486365, 2121369, 22807134, Martorana2022[CaseReport])

Medical Genetics, University of Parma
Classification: Uncertain significance for Neurofibromatosis, type 1. Last evaluated: 2022-08-17. Review status: criteria provided, single submitter. Criteria: ACMG Guidelines, 2015. Collection method: clinical testing. Allele origin: germline. Inheritance: Autosomal dominant inheritance. Affected: yes.

Genome-Nilou Lab
Classification: Uncertain significance for Neurofibromatosis, type 1. Last evaluated: 2022-03-15. Review status: criteria provided, single submitter. Criteria: ACMG Guidelines, 2015. Collection method: clinical testing. Allele origin: germline. Affected: no.

Laboratory of Medical Genetics Unit, Bambino Gesù Children's Hospital
Classification: Uncertain significance for Astrocytoma IDH-mutant. Last evaluated: 2021-05-31. Review status: criteria provided, single submitter. Criteria: ACMG Guidelines, 2015. Collection method: research. Allele origin: germline. Affected: yes. Observed: 1 heterozygote.

Ambry Genetics
Classification: Uncertain significance for Hereditary cancer-predisposing syndrome. Last evaluated: 2015-10-13. Review status: criteria provided, single submitter. Criteria: Ambry Autosomal Dominant and X-Linked criteria (10/2015). Collection method: clinical testing. Allele origin: germline. Observed: 1 variant allele.
Comment: The p.R1132C variant (also known as c.3394C>T), located in coding exon 26 of the NF1 gene, results from a C to T substitution at nucleotide position 3394. The arginine at codon 1132 is replaced by cysteine, an amino acid with highly dissimilar properties. This variant was not reported in population based cohorts in the following databases: Database of Single Nucleotide Polymorphisms (dbSNP), NHLBI Exome Sequencing Project (ESP), and 1000 Genomes Project. In the ESP, this variant was not observed in 6503 samples (13006 alleles) with coverage at this position. To date, this alteration has been detected with an allele frequency of approximately 0.01% (greater than 55000 alleles tested) in our clinical cohort.This amino acid position is highly conserved in available vertebrate species. In addition, the in silico prediction for this alteration is inconclusive.Since supporting evidence is limited at this time, the clinical significance of this variant remains unclear.